The following is an entry in ClinVar:

NM_001042492.3(NF1):c.6393C>T (p.His2131=)

Gene: NF1 (neurofibromin 1; plus strand). Cytogenetic location: 17q11.2.
Variant type: single nucleotide variant.
Coding change: c.6393C>T on transcript NM_001042492.3 (MANE Select); coding-DNA position 6393, C replaced by T.
Protein change: p.His2131=; no amino-acid change (histidine 2131 retained).
Molecular consequence: synonymous variant.
Genome position (GRCh38, 1-based): chr17:31,336,880, C>T. VCF-style: chr17-31336880-C-T. GRCh37 (hg19) VCF-style: chr17-29663898-C-T.
Other names: p.His2110=; c.6330C>T, p.His2110= (NM_000267.4).
Identifiers: ClinVar variation 184228 (VCV000184228.39), dbSNP rs17881788, ClinGen allele CA188280.

ClinVar aggregate classification (germline): Benign. Review status: criteria provided, multiple submitters, no conflicts (2 of 4 stars). 20 submissions from 17 submitters: Benign (18). 2 of the submissions do not count toward it. Last evaluated 2026-05-21.

Conditions:
Hereditary cancer-predisposing syndrome. Also called: Tumor predisposition; Hereditary neoplastic syndrome; Neoplastic Syndromes, Hereditary; Hereditary Cancer Syndrome. Identifiers: Orphanet 140162, MedGen C0027672, MeSH D009386, MONDO:0015356.
Neurofibromatosis-Noonan syndrome (NFNS). Also called: NEUROFIBROMATOSIS WITH NOONAN PHENOTYPE. Identifiers: Orphanet 638, MedGen C2931482, MONDO:0011035, OMIM 601321. Disease mechanism: loss of function.
Café-au-lait macules with pulmonary stenosis (WTSN). Also called: PULMONIC STENOSIS WITH CAFE-AU-LAIT SPOTS. Identifiers: MedGen C0553586, MONDO:0008672, OMIM 193520.
Neurofibromatosis, familial spinal (FSNF). Identifiers: Orphanet 636, MedGen C1834235, MONDO:0008078, OMIM 162210. Disease mechanism: loss of function.
Neurofibromatosis, type 1 (NF1). Also called: Neurofibromatosis, type I; NEUROFIBROMATOSIS, TYPE I, SOMATIC; VON RECKLINGHAUSEN DISEASE; Peripheral type neurofibromatosis. Identifiers: Orphanet 636, MedGen C0027831, MONDO:0018975, OMIM 162200. Disease mechanism: loss of function.

Allele frequency attached by ClinVar (database versions not stated): gnomAD 0.00601 and 0.00655; ESP Exome Variant Server 0.00684; gnomAD exomes 0.00151 and 0.00056; ExAC 0.00188; 1000 Genomes Project 30x 0.00422; TOPMed 0.00662; 1000 Genomes Project 0.00379.

Submissions (20):

Myriad Genetics, Inc.
Classification: Benign for Neurofibromatosis, type 1. Last evaluated: 2026-05-21. Review status: criteria provided, single submitter. Criteria: Myriad Autosomal Dominant, Autosomal Recessive and X-Linked Classification Criteria (2023). Collection method: clinical testing. Allele origin: unknown.
Comment: This variant is considered benign. This variant is a silent/synonymous amino acid change and it is not expected to impact splicing.

Labcorp Genetics (formerly Invitae), Labcorp
Classification: Benign for Neurofibromatosis, type 1. Last evaluated: 2026-02-03. Review status: criteria provided, single submitter. Criteria: Invitae Variant Classification Sherloc (09022015). Collection method: clinical testing. Allele origin: germline.

KCCC/NGS Laboratory, Kuwait Cancer Control Center
Classification: Benign for Neurofibromatosis, familial spinal. Last evaluated: 2023-07-07. Review status: criteria provided, single submitter. Criteria: ACMG Guidelines, 2015. Collection method: clinical testing. Allele origin: germline. Affected: yes.

Mayo Clinic Laboratories, Mayo Clinic
Classification: Benign. Last evaluated: 2022-03-21. Review status: criteria provided, single submitter. Criteria: ACMG Guidelines, 2015. Collection method: clinical testing. Allele origin: germline. Observed: 3 variant alleles.
Comment: BS1, BP4, BP7

Genome-Nilou Lab
Classification: Benign for Neurofibromatosis, type 1. Last evaluated: 2022-03-15. Review status: criteria provided, single submitter. Criteria: ACMG Guidelines, 2015. Collection method: clinical testing. Allele origin: germline. Affected: no.

Genome Diagnostics Laboratory, The Hospital for Sick Children
Classification: Benign for Neurofibromatosis, type 1. Last evaluated: 2020-10-26. Review status: criteria provided, single submitter. Criteria: ACMG Guidelines, 2015. Collection method: clinical testing. Allele origin: germline. Affected: yes.

Illumina Laboratory Services, Illumina
Classification: Benign for Neurofibromatosis, type 1. Last evaluated: 2018-01-13. Review status: criteria provided, single submitter. Criteria: ICSL Variant Classification Criteria 13 December 2019. Collection method: clinical testing. Allele origin: germline.
Comment: This variant was observed in the ICSL laboratory as part of a predisposition screen in an ostensibly healthy population. It had not been previously curated by ICSL or reported in the Human Gene Mutation Database (HGMD: prior to June 1st, 2018), and was therefore a candidate for classification through an automated scoring system. Utilizing variant allele frequency, disease prevalence and penetrance estimates, and inheritance mode, an automated score was calculated to assess if this variant is too frequent to cause the disease. Based on the score and internal cut-off values, a variant classified as benign is not then subjected to further curation. The score for this variant resulted in a classification of benign for this disease.

Illumina Laboratory Services, Illumina
Classification: Benign for Café-au-lait macules with pulmonary stenosis. Last evaluated: 2018-01-13. Review status: criteria provided, single submitter. Criteria: ICSL Variant Classification Criteria 13 December 2019. Collection method: clinical testing. Allele origin: germline.
Comment: the same text as in the submission from Illumina Laboratory Services, Illumina above.

Illumina Laboratory Services, Illumina
Classification: Benign for Neurofibromatosis, familial spinal. Last evaluated: 2018-01-13. Review status: criteria provided, single submitter. Criteria: ICSL Variant Classification Criteria 13 December 2019. Collection method: clinical testing. Allele origin: germline.
Comment: the same text as in the submission from Illumina Laboratory Services, Illumina above.

Illumina Laboratory Services, Illumina
Classification: Benign for Neurofibromatosis-Noonan syndrome. Last evaluated: 2018-01-13. Review status: criteria provided, single submitter. Criteria: ICSL Variant Classification Criteria 13 December 2019. Collection method: clinical testing. Allele origin: germline.
Comment: the same text as in the submission from Illumina Laboratory Services, Illumina above.

Women's Health and Genetics/Laboratory Corporation of America, LabCorp
Classification: Benign. Last evaluated: 2017-07-06. Review status: criteria provided, single submitter. Criteria: LabCorp Variant Classification Summary - May 2015. Collection method: clinical testing. Allele origin: germline.
Comment: Variant summary: The NF1 c.6330C>T (p.His2110His) variant involves the alteration of a conserved nucleotide, resulting in a synonymous change. One in silico tool predicts a damaging outcome for this variant. 5/5 splice prediction tools predict no significant impact on normal splicing. However, these predictions have yet to be confirmed by functional studies. The variant of interest has been found in a large, broad control population, ExAC in 228/121380 control chromosomes at a frequency of 0.0018784, which is approximately 9 times the estimated maximal expected allele frequency of a pathogenic NF1 variant (0.0002084), suggesting this variant is likely a benign polymorphism. In addition, multiple clinical diagnostic laboratories/reputable databases classified this variant as benign/likely benign. The variant of interest has not, to our knowledge, been reported in affected individuals via publications and/or reputable databases/clinical diagnostic laboratories; nor evaluated for functional impact by in vivo/vitro studies. Taken together, this variant is classified as benign.

ARUP Laboratories, Molecular Genetics and Genomics, ARUP Laboratories
Classification: Benign. Last evaluated: 2017-06-07. Review status: criteria provided, single submitter. Criteria: ARUP Molecular Germline Variant Investigation Process. Collection method: clinical testing. Allele origin: germline.

Genetic Services Laboratory, University of Chicago
Classification: Benign. Last evaluated: 2016-11-14. Review status: criteria provided, single submitter. Criteria: ACMG Guidelines, 2015. Collection method: clinical testing. Allele origin: germline. Affected: no.

GeneDx
Classification: Benign. Last evaluated: 2016-09-20. Review status: criteria provided, single submitter. Criteria: GeneDx Variant Classification (06012015). Collection method: clinical testing. Allele origin: germline. Affected: yes.
Comment: This variant is considered likely benign or benign based on one or more of the following criteria: it is a conservative change, it occurs at a poorly conserved position in the protein, it is predicted to be benign by multiple in silico algorithms, and/or has population frequency not consistent with disease.

Laboratory for Molecular Medicine, Mass General Brigham Personalized Medicine
Classification: Benign. Last evaluated: 2014-11-24. Review status: criteria provided, single submitter. Criteria: LMM Criteria. Collection method: clinical testing. Allele origin: germline. Observed: 2 variant alleles.
Comment: His2131His in exon 42 of NF1: This variant is not expected to have clinical sign ificance because it does not alter an amino acid residue and is not located with in the splice consensus sequence. It has been identified in 2.0% (89/4406) of Af rican American chromosomes from a broad population by the NHLBI Exome Sequencing Project (dbSNP rs17881788).

Ambry Genetics
Classification: Benign for Hereditary cancer-predisposing syndrome. Last evaluated: 2014-07-28. Review status: criteria provided, single submitter. Criteria: Ambry Autosomal Dominant and X-Linked criteria (10/2015). Collection method: clinical testing. Allele origin: germline. Observed: 1 variant allele.
Comment: General population or subpopulation frequency is too high to be a pathogenic mutation based on disease/syndrome prevalence and penetrance

Breakthrough Genomics
Classification: Benign. Review status: criteria provided, single submitter. Criteria: ACMG Guidelines, 2015. Collection method: not provided. Allele origin: germline. Inheritance: Autosomal dominant inheritance. Affected: yes.

PreventionGenetics, part of Exact Sciences
Classification: Benign. Review status: criteria provided, single submitter. Criteria: ACMG Guidelines, 2015. Collection method: clinical testing. Allele origin: germline.

Clinical Genetics DNA and cytogenetics Diagnostics Lab, Erasmus MC, Erasmus Medical Center
Classification: Benign. Review status: no assertion criteria provided. Collection method: clinical testing. Allele origin: germline. Affected: yes. Study: VKGL Data-share Consensus. Not counted in ClinVar's aggregate classification.

Genome Diagnostics Laboratory, Amsterdam University Medical Center
Classification: Benign. Review status: no assertion criteria provided. Collection method: clinical testing. Allele origin: germline. Affected: yes. Study: VKGL Data-share Consensus. Not counted in ClinVar's aggregate classification.